The following is an entry in ClinVar:

ClinVar aggregate classification (germline): Uncertain significance (1 of 4 stars; one submission).

Conditions:
Hyperinsulinism-hyperammonemia syndrome (HHF6). Identifiers: Orphanet 35878, MedGen C1847555, MONDO:0011717, OMIM 606762.

gnomAD v4.1: 43 of 1,608,214 alleles (0.0027%); highest among the groups gnomAD compares: South Asian, 0.0022%; no homozygotes.

Submission:

Labcorp Genetics (formerly Invitae), Labcorp
Classification: Uncertain significance for Hyperinsulinism-hyperammonemia syndrome. Last evaluated: 2026-01-20. Review status: criteria provided, single submitter. Criteria: Invitae Variant Classification Sherloc (09022015). Collection method: clinical testing. Allele origin: germline.
Comment: This sequence change replaces arginine, which is basic and polar, with histidine, which is basic and polar, at codon 516 of the GLUD1 protein (p.Arg516His). This variant is present in population databases (rs769870145, gnomAD 0.05%), and has an allele count higher than expected for a pathogenic variant. This variant has not been reported in the literature in individuals affected with GLUD1-related conditions. Invitae Evidence Modeling of protein sequence and biophysical properties (such as structural, functional, and spatial information, amino acid conservation, physicochemical variation, residue mobility, and thermodynamic stability) indicates that this missense variant is not expected to disrupt GLUD1 protein function with a negative predictive value of 80%. In summary, the available evidence is currently insufficient to determine the role of this variant in disease. Therefore, it has been classified as a Variant of Uncertain Significance.

NM_005271.5(GLUD1):c.1547G>A (p.Arg516His)

Gene: GLUD1 (glutamate dehydrogenase 1; minus strand). Cytogenetic location: 10q23.2.
Variant type: single nucleotide variant.
Coding change: c.1547G>A on transcript NM_005271.5 (MANE Select); coding-DNA position 1547, G replaced by A.
Protein change: p.Arg516His; replaces arginine 516 with histidine.
Molecular consequence: missense variant.
Genome position (GRCh38, 1-based): chr10:87,053,352, C>T on the plus strand (G>A on the coding strand, the complement: GLUD1 is on the minus strand). VCF-style: chr10-87053352-C-T. GRCh37 (hg19) VCF-style: chr10-88813109-C-T.
Other names: c.1148G>A, p.Arg383His (NM_001318900.1); c.1046G>A, p.Arg349His (NM_001318901.1, NM_001318902.1, NM_001318904.2 and 2 more transcripts); short protein forms R516H, R383H, R349H.
Identifiers: ClinVar variation 4750952 (VCV004750952.1).